The following is an entry in ClinVar:

ClinVar aggregate classification (germline): Likely pathogenic (1 of 4 stars; one submission).

Conditions:
Cardiovascular phenotype. Identifiers: MedGen CN230736.

Submission:

Ambry Genetics
Classification: Likely pathogenic for Cardiovascular phenotype. Last evaluated: 2024-05-29. Review status: criteria provided, single submitter. Criteria: Ambry Variant Classification Scheme 2023. Collection method: clinical testing. Allele origin: germline.
Comment: The c.69658delG variant, located in coding exon 174 of the TTN gene, results from a deletion of one nucleotide at nucleotide position 69658, causing a translational frameshift with a predicted alternate stop codon (p.V23220Cfs*11). This exon is located in the A-band region of the N2-B isoform of the titin protein and is constitutively expressed in TTN transcripts (percent spliced in or PSI 100%). This alteration is expected to result in loss of function by premature protein truncation or nonsense-mediated mRNA decay. While truncating variants in TTN are present in 1-3% of the general population, truncating variants in the A-band are the most common cause of dilated cardiomyopathy (DCM) (Herman DS et al. N. Engl. J. Med., 2012 Feb;366:619-28; Roberts AM et al. Sci Transl Med, 2015 Jan;7:270ra6). TTN truncating variants encoded in constitutive exons (PSI >90%) have been found to be significantly associated with DCM regardless of their position in titin (Schafer S et al. Nat. Genet., 2017 01;49:46-53). This variant is considered to be rare based on population cohorts in the Genome Aggregation Database (gnomAD). Based on the majority of available evidence to date, this variant is likely to be pathogenic.

NM_001267550.2(TTN):c.96853del (p.Val32285fs)

Genes: TTN (titin; minus strand), TTN-AS1 (TTN antisense RNA 1; plus strand), LOC126806421 (CDK7 strongly-dependent group 2 enhancer GRCh37_chr2:179407630-179408829; plus strand). Cytogenetic location: 2q31.2.
Variant type: Deletion.
Coding change: c.96853del on transcript NM_001267550.2 (MANE Select); coding-DNA position 96853, one base deleted (G; older notation c.96853delG).
Protein change: p.Val32285fs; shifts the reading frame from valine 32285.
Molecular consequence: frameshift variant.
Genome position (GRCh38, 1-based): chr2:178,543,120, C deleted on the plus strand (G on the coding strand, the reverse complement: TTN is on the minus strand). VCF-style (leftmost placement, unchanged base first): chr2-178543119-AC-A. GRCh37 (hg19) VCF-style: chr2-179407846-AC-A.
Other names: c.91930del, p.Val30644fs (NM_001256850.1); c.69658del, p.Val23220fs (NM_003319.4); c.89149del, p.Val29717fs (NM_133378.4); c.70033del, p.Val23345fs (NM_133432.3); c.70234del, p.Val23412fs (NM_133437.4); c.69658delG (NM_003319.4); short protein forms V29717fs, V23220fs, V23345fs, V23412fs, V30644fs, V32285fs.
Identifiers: ClinVar variation 3330105 (VCV003330105.1).